The following is an entry in ClinVar:

NC_000011.9:g.(?_2466329)_(2466734_?)del

Gene: KCNQ1 (potassium voltage-gated channel subfamily Q member 1; plus strand). Cytogenetic location: 11p15.5.
Variant type: Deletion.
Identifiers: ClinVar variation 2422595 (VCV002422595.5).

ClinVar aggregate classification (germline): Pathogenic (1 of 4 stars; one submission).

Conditions:
Long QT syndrome (LQTS). Identifiers: MedGen C0023976, MeSH D008133, MONDO:0002442. Disease mechanism: loss of function. Inheritance: Various modes of inheritance.

Submission:

Labcorp Genetics (formerly Invitae), Labcorp
Classification: Pathogenic for Long QT syndrome. Last evaluated: 2022-05-12. Review status: criteria provided, single submitter. Criteria: Invitae Variant Classification Sherloc (09022015). Collection method: clinical testing. Allele origin: germline.
Comment: For these reasons, this variant has been classified as Pathogenic. This variant is a gross deletion of the genomic region encompassing exon(s) 1 of the KCNQ1 gene, which includes the initiator codon. This deletion extends beyond the assayed region for this gene and therefore may encompass additional genes. It is expected to result in an absent or disrupted protein product. Loss-of-function variants in KCNQ1 are known to be pathogenic (PMID: 9323054, 19862833). This variant has not been reported in the literature in individuals affected with KCNQ1-related conditions.

Literature cited by the submitters: PubMed 9323054; PubMed 19862833.